The following is an entry in ClinVar:

ClinVar aggregate classification (germline): Uncertain significance. Review status: criteria provided, multiple submitters, no conflicts (2 of 4 stars). 3 submissions from 3 submitters: Uncertain significance (2). 1 of the submissions does not count toward it. Last evaluated 2022-06-13.

Conditions:
Peroxisome biogenesis disorder, complementation group 7 (CG7). Also called: Peroxisome biogenesis disorder, complementation group B. Identifiers: MedGen C1864399.
Zellweger spectrum disorders (ZS). Also called: Zellweger Spectrum Disorder; Zellweger Spectrum; Zellweger Spectrum Disorder (ZSD); Zellweger syndrome. Identifiers: Orphanet 912, MedGen C0043459, MONDO:0019609.

Allele frequency attached by ClinVar (database versions not stated): ExAC 0.00001; gnomAD exomes 0.00001.
gnomAD v4.1: 9 of 1,614,028 alleles (0.00056%); highest among the groups gnomAD compares: Non-Finnish European, 0.00068%; no homozygotes.

Submissions (3):

Labcorp Genetics (formerly Invitae), Labcorp
Classification: Uncertain significance for Peroxisome biogenesis disorder, complementation group 7. Last evaluated: 2022-06-13. Review status: criteria provided, single submitter. Criteria: Invitae Variant Classification Sherloc (09022015). Collection method: clinical testing. Allele origin: germline.
Comment: This sequence change replaces serine, which is neutral and polar, with leucine, which is neutral and non-polar, at codon 89 of the PEX10 protein (p.Ser89Leu). This variant is present in population databases (rs769847524, gnomAD 0.002%). This variant has not been reported in the literature in individuals affected with PEX10-related conditions. ClinVar contains an entry for this variant (Variation ID: 594806). Algorithms developed to predict the effect of missense changes on protein structure and function output the following: SIFT: "Tolerated"; PolyPhen-2: "Benign"; Align-GVGD: "Class C0". The leucine amino acid residue is found in multiple mammalian species, which suggests that this missense change does not adversely affect protein function. In summary, the available evidence is currently insufficient to determine the role of this variant in disease. Therefore, it has been classified as a Variant of Uncertain Significance.

Eurofins Ntd Llc (ga)
Classification: Uncertain significance. Last evaluated: 2017-11-07. Review status: criteria provided, single submitter. Criteria: EGL Classification Definitions 2015. Collection method: clinical testing. Allele origin: germline. Observed: 1 variant allele, 1 heterozygote.

Natera, Inc.
Classification: Uncertain significance for Zellweger syndrome. Last evaluated: 2020-08-13. Review status: no assertion criteria provided. Collection method: clinical testing. Allele origin: germline. Not counted in ClinVar's aggregate classification.

NM_002617.4(PEX10):c.266C>T (p.Ser89Leu)

Gene: PEX10 (peroxisomal biogenesis factor 10; minus strand). Cytogenetic location: 1p36.32.
Variant type: single nucleotide variant.
Coding change: c.266C>T on transcript NM_002617.4 (MANE Select); coding-DNA position 266, C replaced by T.
Protein change: p.Ser89Leu; replaces serine 89 with leucine.
Molecular consequence: missense variant. On other transcripts: 5 prime UTR variant (2), non-coding transcript variant (1).
Genome position (GRCh38, 1-based): chr1:2,408,786, G>A on the plus strand (C>T on the coding strand, the complement: PEX10 is on the minus strand). VCF-style: chr1-2408786-G-A. GRCh37 (hg19) VCF-style: chr1-2340225-G-A.
Other names: c.266C>T, p.Ser89Leu (NM_001374425.1, NM_153818.2); c.-167C>T (NM_001374426.1, NM_001374427.1); short protein forms S89L.
Identifiers: ClinVar variation 594806 (VCV000594806.8), dbSNP rs769847524, ClinGen allele CA538233.